The following is an entry in ClinVar:

ClinVar aggregate classification (germline): Uncertain significance. Review status: criteria provided, multiple submitters, no conflicts (2 of 4 stars). 2 submissions from 2 submitters: Uncertain significance (2). Last evaluated 2025-08-31.

Conditions:
Acromesomelic dysplasia 1, Maroteaux type (AMD1). Also called: ACROMESOMELIC DYSPLASIA 1; ST. HELENA DYSPLASIA. Identifiers: Orphanet 40, MedGen C1864356, MONDO:0011275, OMIM 602875.
Tall stature-scoliosis-macrodactyly of the great toes syndrome. Also called: Epiphyseal chondrodysplasia, miura type. Identifiers: Orphanet 329191, MedGen C4014690, MONDO:0014401, OMIM 615923.
Short stature with nonspecific skeletal abnormalities. Identifiers: MedGen C4225399, MONDO:0975810.

Allele frequency attached by ClinVar (database versions not stated): ExAC 0.00007; gnomAD exomes 0.00007; ESP Exome Variant Server 0.00015.
gnomAD v4.1: 373 of 1,613,712 alleles (0.023%); highest among the groups gnomAD compares: Non-Finnish European, 0.031%; no homozygotes.

Submissions (2):

Labcorp Genetics (formerly Invitae), Labcorp
Classification: Uncertain significance for Tall stature-scoliosis-macrodactyly of the great toes syndrome; Acromesomelic dysplasia 1, Maroteaux type. Last evaluated: 2025-08-31. Review status: criteria provided, single submitter. Criteria: Invitae Variant Classification Sherloc (09022015). Collection method: clinical testing. Allele origin: germline.
Comment: This sequence change replaces arginine, which is basic and polar, with tryptophan, which is neutral and slightly polar, at codon 358 of the NPR2 protein (p.Arg358Trp). This variant is present in population databases (rs140870470, gnomAD 0.02%). This variant has not been reported in the literature in individuals affected with NPR2-related conditions. ClinVar contains an entry for this variant (Variation ID: 1405237). Invitae Evidence Modeling of protein sequence and biophysical properties (such as structural, functional, and spatial information, amino acid conservation, physicochemical variation, residue mobility, and thermodynamic stability) indicates that this missense variant is not expected to disrupt NPR2 protein function with a negative predictive value of 80%. In summary, the available evidence is currently insufficient to determine the role of this variant in disease. Therefore, it has been classified as a Variant of Uncertain Significance.

Victorian Clinical Genetics Services, Murdoch Childrens Research Institute
Classification: Uncertain significance for Short stature with nonspecific skeletal abnormalities. Last evaluated: 2020-05-21. Review status: criteria provided, single submitter. Criteria: ACMG Guidelines, 2015. Collection method: clinical testing. Allele origin: germline. Affected: yes.
Comment: A heterozygous missense variant was identified, NM_003995.3(NPR2):c.1072C>T in exon 4 of the NPR2 gene. This substitution is predicted to create a major amino acid change from an arginine to a tryptophan at position 358 of the protein; NP_003986.2(NPR2):p.(Arg358Trp). The arginine at this position has moderate conservation (100 vertebrates, UCSC), and is located within the ligand binding domain (NCBI, PDB). In silico software predictions of the pathogenicity of this variant are conflicting (PolyPhen2, PROVEAN, FATHMM, MutationAssessor). The variant is present in the gnomAD population database at a global population frequency of 0.007% (21 heterozygotes, 0 homozygotes) with a European sub-population frequency of 0.02%. An alternative residue change at the same location has been reported in the gnomAD database at a frequency of 0.006%. This variant has not previously been reported in clinical cases. Based on information available at the time of curation, this variant has been classified as a VUS.

NM_003995.4(NPR2):c.1072C>T (p.Arg358Trp)

Gene: NPR2 (natriuretic peptide receptor 2; plus strand). Cytogenetic location: 9p13.3.
Variant type: single nucleotide variant.
Coding change: c.1072C>T on transcript NM_003995.4 (MANE Select); coding-DNA position 1072, C replaced by T.
Protein change: p.Arg358Trp; replaces arginine 358 with tryptophan.
Molecular consequence: missense variant.
Genome position (GRCh38, 1-based): chr9:35,800,106, C>T. VCF-style: chr9-35800106-C-T. GRCh37 (hg19) VCF-style: chr9-35800103-C-T.
Other names: c.1072C>T, p.Arg358Trp (NM_001378923.1); c.1072C>T (NM_003995.3); short protein forms R358W.
Identifiers: ClinVar variation 1405237 (VCV001405237.7), dbSNP rs140870470, ClinGen allele CA5051594.